The following is an entry in ClinVar:

NM_003482.4(KMT2D):c.11738AGC[8] (p.Gln3919dup)

Gene: KMT2D (lysine methyltransferase 2D; minus strand). Cytogenetic location: 12q13.12.
Variant type: Microsatellite.
Coding change: c.11738AGC[8] on transcript NM_003482.4 (MANE Select); eight copies in a row of the 3-base unit AGC starting at c.11738; the reference has seven copies in a row; one copy, 3 bases duplicated; also written c.11756_11758dup.
Protein change: p.Gln3919dup; duplicates glutamine 3919.
Molecular consequence: inframe insertion.
Genome position (GRCh38, 1-based): chr12:49,032,947-49,032,949, GCT duplicated on the plus strand (AGC on the coding strand, the reverse complement: KMT2D is on the minus strand); duplicating any 3 consecutive bases within chr12:49,032,947-49,032,968 gives the same sequence; the position shown is the placement nearest the transcript's 3' end. VCF-style (leftmost placement, unchanged base first): chr12-49032946-A-AGCT. GRCh37 (hg19) VCF-style: chr12-49426729-A-AGCT.
Other names: c.11756_11758dup (NM_003482.3).
Identifiers: ClinVar variation 497547 (VCV000497547.24), dbSNP rs576788910, ClinGen allele CA6546297.

ClinVar aggregate classification (germline): Conflicting classifications of pathogenicity. Review status: criteria provided, conflicting classifications (1 of 4 stars). 7 submissions from 7 submitters: Uncertain significance (1); Benign (2); Likely benign (3). 1 of the submissions does not count toward it. Last evaluated 2026-01-05.

Conditions:
KMT2D-related disorder. Also called: KMT2D-Related Disorders.
Kabuki syndrome. Also called: Kabuki make-up syndrome; NIIKAWA-KUROKI SYNDROME. Identifiers: Orphanet 2322, MedGen C0796004, MONDO:0016512.
Kabuki syndrome 1 (KABUK1). Also called: KMT2D-Related Kabuki Syndrome. Identifiers: Orphanet 2322, MedGen CN030661, MONDO:0007843, OMIM 147920.

Submissions (7):

Labcorp Genetics (formerly Invitae), Labcorp
Classification: Benign for Kabuki syndrome. Last evaluated: 2026-01-05. Review status: criteria provided, single submitter. Criteria: Invitae Variant Classification Sherloc (09022015). Collection method: clinical testing. Allele origin: germline.

Blueprint Genetics
Classification: Likely benign. Last evaluated: 2024-11-11. Review status: criteria provided, single submitter. Criteria: ACMG Guidelines, 2015. Collection method: clinical testing. Allele origin: germline.

GeneDx
Classification: Benign. Last evaluated: 2020-08-10. Review status: criteria provided, single submitter. Criteria: GeneDx Variant Classification Process June 2021. Collection method: clinical testing. Allele origin: germline. Affected: yes.

Genetic Services Laboratory, University of Chicago
Classification: Likely benign. Last evaluated: 2019-04-24. Review status: criteria provided, single submitter. Criteria: ACMG Guidelines, 2015. Collection method: clinical testing. Allele origin: germline. Affected: no.

Center for Human Genetics, Inc
Classification: Likely benign for Kabuki syndrome 1. Last evaluated: 2016-11-01. Review status: criteria provided, single submitter. Criteria: ACMG Guidelines, 2015. Collection method: clinical testing. Allele origin: germline. Affected: yes.

Eurofins Ntd Llc (ga)
Classification: Uncertain significance. Last evaluated: 2016-10-25. Review status: criteria provided, single submitter. Criteria: EGL Classification Definitions 2015. Collection method: clinical testing. Allele origin: germline. Observed: 1 variant allele, 1 heterozygote.

PreventionGenetics, part of Exact Sciences
Classification: Likely benign for KMT2D-related condition. Last evaluated: 2021-07-26. Review status: no assertion criteria provided. Collection method: clinical testing. Allele origin: germline. Not counted in ClinVar's aggregate classification.
Comment: This variant is classified as likely benign based on ACMG/AMP sequence variant interpretation guidelines (Richards et al. 2015 PMID: 25741868, with internal and published modifications).